The following is an entry in ClinVar:

NM_002522.4(NPTX1):c.428G>T (p.Arg143Leu)

Gene: NPTX1 (neuronal pentraxin 1; minus strand). Cytogenetic location: 17q25.3.
Variant type: single nucleotide variant.
Coding change: c.428G>T on transcript NM_002522.4 (MANE Select); coding-DNA position 428, G replaced by T.
Protein change: p.Arg143Leu; replaces arginine 143 with leucine.
Molecular consequence: missense variant.
Genome position (GRCh38, 1-based): chr17:80,476,019, C>A on the plus strand (G>T on the coding strand, the complement: NPTX1 is on the minus strand). VCF-style: chr17-80476019-C-A. GRCh37 (hg19) VCF-style: chr17-78449819-C-A.
Other names: R143L.
Identifiers: ClinVar variation 1806389 (VCV001806389.2), dbSNP rs2509780141, ClinGen allele CA401390810.

ClinVar aggregate classification (germline): Likely pathogenic. Review status: criteria provided, single submitter (1 of 4 stars). 2 submissions from 2 submitters: Likely pathogenic (1). 1 of the submissions does not count toward it. Last evaluated 2024-03-01.

Conditions:
Spinocerebellar ataxia 50 (SCA50). Identifiers: MedGen C5774272, MONDO:0859334, OMIM 620158.

Submissions (2):

Johns Hopkins Genomics, Johns Hopkins University
Classification: Likely pathogenic for Spinocerebellar ataxia 50. Last evaluated: 2024-03-01. Review status: criteria provided, single submitter. Criteria: ACMG Guidelines, 2015. Collection method: clinical testing. Allele origin: germline.
Comment: This NPTX1 variant is absent from a large population dataset and has been reported in ClinVar. It was previously reported as a de novo change (trio-based exome sequencing) in an individual with late-onset, slowly progressive cerebellar ataxia, oculomotor apraxia, choreiform dyskinesias, and cerebellar cognitive affective syndrome. Two bioinformatic tools queried predict that this substitution (p.Arg143Leu) would be damaging, and the arginine residue at this position is strongly conserved across vertebrate species assessed. This missense variant is not predicted to affect normal exon 1 splicing, although this has not been confirmed experimentally to our knowledge. We consider c.428G>T to be likely pathogenic for autosomal dominant spinocerebellar ataxia-50.

OMIM
Classification: Pathogenic for SPINOCEREBELLAR ATAXIA 50. Last evaluated: 2022-12-20. Review status: no assertion criteria provided. Collection method: literature only. Allele origin: germline. Not counted in ClinVar's aggregate classification.

Literature cited by the submitters: PubMed 34788392 (cited by Johns Hopkins Genomics, Johns Hopkins University); PubMed 35285082 (cited by Johns Hopkins Genomics, Johns Hopkins University and OMIM).